The following is an entry in ClinVar:

ClinVar aggregate classification (germline): Uncertain significance (1 of 4 stars; one submission).

Conditions:
Myofibrillar myopathy 4. Also called: Zaspopathy (type). Identifiers: Orphanet 98912, MedGen C4721886, MONDO:0012277, OMIM 609452.

Submission:

Labcorp Genetics (formerly Invitae), Labcorp
Classification: Uncertain significance for Myofibrillar myopathy 4. Last evaluated: 2024-08-08. Review status: criteria provided, single submitter. Criteria: Invitae Variant Classification Sherloc (09022015). Collection method: clinical testing. Allele origin: germline.
Comment: The LDB3 gene has multiple clinically relevant transcripts. This variant occurs in alternate transcript NM_007078.3, and corresponds to NM_001080116.1:c.*17209C>T in the primary transcript. This sequence change affects codon 496 of the LDB3 mRNA. It is a 'silent' change, meaning that it does not change the encoded amino acid sequence of the LDB3 protein. This variant is not present in population databases (gnomAD no frequency). This variant has not been reported in the literature in individuals affected with LDB3-related conditions. Experimental studies and prediction algorithms are not available or were not evaluated, and the effect of this variant on mRNA splicing is currently unknown. In summary, the available evidence is currently insufficient to determine the role of this variant in disease. Therefore, it has been classified as a Variant of Uncertain Significance.

NM_007078.3(LDB3):c.1488C>T (p.Phe496=)

Gene: LDB3 (LIM domain binding 3; plus strand). Cytogenetic location: 10q23.2.
Variant type: single nucleotide variant.
Coding change: c.1488C>T on transcript NM_007078.3 (MANE Select); coding-DNA position 1488, C replaced by T.
Protein change: p.Phe496=; no amino-acid change (phenylalanine 496 retained).
Molecular consequence: synonymous variant.
Genome position (GRCh38, 1-based): chr10:86,716,583, C>T. VCF-style: chr10-86716583-C-T. GRCh37 (hg19) VCF-style: chr10-88476340-C-T.
Other names: c.1158C>T, p.Phe386= (NM_001080114.2); c.1503C>T, p.Phe501= (NM_001171610.2); c.1299C>T, p.Phe433= (NM_001368064.1, NM_001368065.1); c.1347C>T, p.Phe449= (NM_001368066.1).
Identifiers: ClinVar variation 3661809 (VCV003661809.2).
Genomic context (GRCh38, chr10:86,716,583, plus strand): 5'-CTACAGCGGGGGCCCTGCGGAGCCTGCCAGCCGTCCACCCTGGGTGACAGATGATAGCTT[C>T]TCCCAGAAGTTTGCCCCGGGCAAGAGCACCACCTCCATCAGCAAGCAGACCCTGCCCCGG-3'
Protein context (NP_009009.1, residues 486-506): SRPPWVTDDS[Phe496=]SQKFAPGKST